The following is an entry in ClinVar:

GRCh38/hg38 8q24.13(chr8:122751607-123361569)x3

Genes: ATAD2 (ATPase family AAA domain containing 2; minus strand), C8orf76 (chromosome 8 open reading frame 76; minus strand), DERL1 (derlin 1; minus strand), MIR4663 (microRNA 4663; minus strand), MIR548AA1 (microRNA 548aa-1; plus strand) and 49 more. Cytogenetic location: 8q24.13.
Variant type: copy number gain.
Change: copy number 3 (three copies instead of two) of chr8:122,751,607-123,361,569 (610.0 kb, GRCh38 coordinates, 1-based), cytogenetic band 8q24.13.
Identifiers: ClinVar variation 57126 (VCV000057126.1).

ClinVar aggregate classification (germline): Pathogenic (1 of 4 stars; one submission).

Submission:

ISCA site 4
Classification: Pathogenic. Last evaluated: 2011-08-12. Review status: criteria provided, single submitter. Criteria: Kaminsky et al. (Genet Med. 2011). Collection method: clinical testing. Allele origin: de novo. Affected: yes. Observed: 1 variant allele.
Comment: Copy number variation identified through the course of routine clinical cytogenomic testing in postnatal populations. Clinical assertions have been curated as described in Kaminsky et al. 2011.